The following is an entry in ClinVar:

NM_001042492.3(NF1):c.7501G>T (p.Glu2501Ter)

Gene: NF1 (neurofibromin 1; plus strand). Cytogenetic location: 17q11.2.
Variant type: single nucleotide variant.
Coding change: c.7501G>T on transcript NM_001042492.3 (MANE Select); coding-DNA position 7501, G replaced by T.
Protein change: p.Glu2501Ter; replaces glutamic acid 2501 with a stop codon.
Molecular consequence: nonsense.
Genome position (GRCh38, 1-based): chr17:31,352,300, G>T. VCF-style: chr17-31352300-G-T. GRCh37 (hg19) VCF-style: chr17-29679318-G-T.
Other names: c.7438G>T, p.Glu2480Ter (NM_000267.4); short protein forms E2480*, E2501*.
Identifiers: ClinVar variation 2110955 (VCV002110955.5), dbSNP rs2151577030, ClinGen allele CA399017521.

ClinVar aggregate classification (germline): Pathogenic. Review status: criteria provided, multiple submitters, no conflicts (2 of 4 stars). 2 submissions from 2 submitters: Pathogenic (2). Last evaluated 2026-05-04.

Conditions:
Cardiovascular phenotype. Identifiers: MedGen CN230736.
Hereditary cancer-predisposing syndrome. Also called: Neoplastic Syndromes, Hereditary; Tumor predisposition; Hereditary Cancer Syndrome; Hereditary neoplastic syndrome. Identifiers: Orphanet 140162, MedGen C0027672, MeSH D009386, MONDO:0015356.
Neurofibromatosis, type 1 (NF1). Also called: VON RECKLINGHAUSEN DISEASE; NEUROFIBROMATOSIS, TYPE I, SOMATIC; Peripheral type neurofibromatosis; Neurofibromatosis, type I. Identifiers: Orphanet 636, MedGen C0027831, MONDO:0018975, OMIM 162200. Disease mechanism: loss of function.

Submissions (2):

Ambry Genetics
Classification: Pathogenic for Cardiovascular phenotype; Hereditary cancer-predisposing syndrome. Last evaluated: 2026-05-04. Review status: criteria provided, single submitter. Criteria: Ambry Variant Classification Scheme 2023. Collection method: clinical testing. Allele origin: germline.
Comment: The p.E2480* pathogenic mutation (also known as c.7438G>T), located in coding exon 50 of the NF1 gene, results from a G to T substitution at nucleotide position 7438. This changes the amino acid from a glutamic acid to a stop codon within coding exon 50. This variant was reported in individual(s) with features consistent with Neurofibromatosis type 1 (Ambry internal data). This variant is considered to be rare based on population cohorts in the Genome Aggregation Database (gnomAD). This alteration is expected to result in loss of function by premature protein truncation or nonsense-mediated mRNA decay. As such, this alteration is interpreted as a disease-causing mutation.

Labcorp Genetics (formerly Invitae), Labcorp
Classification: Pathogenic for Neurofibromatosis, type 1. Last evaluated: 2022-03-13. Review status: criteria provided, single submitter. Criteria: Invitae Variant Classification Sherloc (09022015). Collection method: clinical testing. Allele origin: germline.
Comment: For these reasons, this variant has been classified as Pathogenic. This variant has not been reported in the literature in individuals affected with NF1-related conditions. This variant is not present in population databases (gnomAD no frequency). This sequence change creates a premature translational stop signal (p.Glu2480*) in the NF1 gene. It is expected to result in an absent or disrupted protein product. Loss-of-function variants in NF1 are known to be pathogenic (PMID: 10712197, 23913538).

Literature cited by the submitters: PubMed 10712197 (cited by Labcorp Genetics (formerly Invitae), Labcorp); PubMed 23913538 (cited by Labcorp Genetics (formerly Invitae), Labcorp).